The following is an entry in ClinVar:

NM_001005361.3(DNM2):c.2265C>G (p.Thr755=)

Gene: DNM2 (dynamin 2; plus strand). Cytogenetic location: 19p13.2.
Variant type: single nucleotide variant.
Coding change: c.2265C>G on transcript NM_001005361.3 (MANE Select); coding-DNA position 2265, C replaced by G.
Protein change: p.Thr755=; no amino-acid change (threonine 755 retained).
Molecular consequence: synonymous variant.
Genome position (GRCh38, 1-based): chr19:10,829,242, C>G. VCF-style: chr19-10829242-C-G. GRCh37 (hg19) VCF-style: chr19-10939918-C-G.
Other names: c.2265C>G, p.Thr755= (NM_001005360.3, NM_001190716.2); c.2253C>G, p.Thr751= (NM_001005362.3, NM_004945.4).
Identifiers: ClinVar variation 2649305 (VCV002649305.24), dbSNP rs1328758005, ClinGen allele CA505494482.

ClinVar aggregate classification (germline): Likely benign (1 of 4 stars; one submission).

Allele frequency attached by ClinVar (database versions not stated): gnomAD exomes below 0.00001.
gnomAD v4.1: 1 of 1,613,738 alleles (0.000062%); highest among the groups gnomAD compares: Non-Finnish European, 0.000085%; no homozygotes.

Submission:

CeGaT Center for Human Genetics Tuebingen
Classification: Likely benign. Last evaluated: 2023-01-01. Review status: criteria provided, single submitter. Criteria: CeGaT Center For Human Genetics Tuebingen Variant Classification Criteria Version 2. Collection method: clinical testing. Allele origin: germline. Affected: yes. Observed: 1 variant allele.
Comment: DNM2: BP4, BP7